The following is an entry in ClinVar:

ClinVar aggregate classification (germline): Pathogenic (1 of 4 stars; one submission).

Conditions:
Neuronal ceroid lipofuscinosis 3 (CLN3). Identifiers: Orphanet 228346, MedGen C0751383, MONDO:0008767, OMIM 204200.

Submission:

Myriad Genetics, Inc.
Classification: Pathogenic for Neuronal ceroid lipofuscinosis 3. Last evaluated: 2024-05-15. Review status: criteria provided, single submitter. Criteria: Myriad Autosomal Dominant, Autosomal Recessive and X-Linked Classification Criteria (2023). Collection method: clinical testing. Allele origin: unknown.
Comment: NM_001042432.1(CLN3):c.640_641ins19(L214Qfs*28) is expected to be pathogenic in the context of CLN3-related disorders. This variant is predicted to lead to an abnormal or absent protein product due to the creation of a premature termination codon in CLN3, a gene where loss-of-function variants are known to be pathogenic. Please note: this variant was assessed in the context of healthy population screening.

NM_001042432.2(CLN3):c.640_641insAGTCCATGCTGGGTATCCC (p.Leu214fs)

Gene: CLN3 (CLN3 lysosomal/endosomal transmembrane protein, battenin; minus strand). Cytogenetic location: 16p12.1.
Variant type: Insertion.
Coding change: c.640_641insAGTCCATGCTGGGTATCCC on transcript NM_001042432.2 (MANE Select); coding-DNA positions 640 to 641, AGTCCATGCTGGGTATCCC inserted.
Protein change: p.Leu214fs; shifts the reading frame from leucine 214.
Molecular consequence: frameshift variant.
Genome position: GRCh38 VCF-style: chr16-28486383-A-AGGGATACCCAGCATGGACT. GRCh37 (hg19) VCF-style: chr16-28497704-A-AGGGATACCCAGCATGGACT.
Other names: c.640_641insAGTCCATGCTGGGTATCCC, p.Leu214fs (NM_000086.2); c.568_569insAGTCCATGCTGGGTATCCC, p.Leu190fs (NM_001286104.2); c.340_341insAGTCCATGCTGGGTATCCC, p.Leu114fs (NM_001286105.2); c.406_407insAGTCCATGCTGGGTATCCC, p.Leu136fs (NM_001286109.2); c.478_479insAGTCCATGCTGGGTATCCC, p.Leu160fs (NM_001286110.2); short protein forms L114fs, L136fs, L160fs, L190fs, L214fs.
Identifiers: ClinVar variation 5013061 (VCV005013061.1).